The following is an entry in ClinVar:

NM_058216.3(RAD51C):c.480A>G (p.Thr160=)

Gene: RAD51C (RAD51 paralog C; plus strand). Cytogenetic location: 17q22.
Variant type: single nucleotide variant.
Coding change: c.480A>G on transcript NM_058216.3 (MANE Select); coding-DNA position 480, A replaced by G.
Protein change: p.Thr160=; no amino-acid change (threonine 160 retained).
Molecular consequence: synonymous variant.
Genome position (GRCh38, 1-based): chr17:58,696,768, A>G. VCF-style: chr17-58696768-A-G. GRCh37 (hg19) VCF-style: chr17-56774129-A-G.
Identifiers: ClinVar variation 415839 (VCV000415839.11), dbSNP rs1060504670, ClinGen allele CA16615462.

ClinVar aggregate classification (germline): Benign/Likely benign. Review status: criteria provided, multiple submitters, no conflicts (2 of 4 stars). 2 submissions from 2 submitters: Benign (1); Likely benign (1). Last evaluated 2025-02-18.

Conditions:
Fanconi anemia complementation group O. Also called: RAD51C-Related Fanconi Anemia. Identifiers: Orphanet 84, MedGen C3150653, MONDO:0013248, OMIM 613390.
Breast-ovarian cancer, familial, susceptibility to, 3. Also called: RAD51C-Related Breast/Ovarian Cancer. Identifiers: Orphanet 145, MedGen C3150659, MONDO:0013253, OMIM 613399.

Allele frequency attached by ClinVar (database versions not stated): gnomAD exomes below 0.00001.
gnomAD v4.1: 1 of 1,614,222 alleles (0.000062%); highest among the groups gnomAD compares: Admixed American, 0.0017%; no homozygotes.

Submissions (2):

Myriad Genetics, Inc.
Classification: Benign for Breast-ovarian cancer, familial, susceptibility to, 3. Last evaluated: 2025-02-18. Review status: criteria provided, single submitter. Criteria: Myriad Autosomal Dominant, Autosomal Recessive and X-Linked Classification Criteria (2023). Collection method: clinical testing. Allele origin: unknown.
Comment: This variant is considered benign. This variant is a silent/synonymous amino acid change and it is not expected to impact splicing.

Labcorp Genetics (formerly Invitae), Labcorp
Classification: Likely benign for Fanconi anemia complementation group O. Last evaluated: 2016-08-09. Review status: criteria provided, single submitter. Criteria: Invitae Variant Classification Sherloc (09022015). Collection method: clinical testing. Allele origin: germline.